The following is an entry in ClinVar:

ClinVar aggregate classification (germline): Uncertain significance (1 of 4 stars; one submission).

Submission:

Labcorp Genetics (formerly Invitae), Labcorp
Classification: Uncertain significance. Last evaluated: 2024-03-09. Review status: criteria provided, single submitter. Criteria: Invitae Variant Classification Sherloc (09022015). Collection method: clinical testing. Allele origin: germline.
Comment: This sequence change replaces glutamic acid, which is acidic and polar, with lysine, which is basic and polar, at codon 131 of the ROM1 protein (p.Glu131Lys). This variant is present in population databases (no rsID available, gnomAD 0.002%). This variant has not been reported in the literature in individuals affected with ROM1-related conditions. Advanced modeling of protein sequence and biophysical properties (such as structural, functional, and spatial information, amino acid conservation, physicochemical variation, residue mobility, and thermodynamic stability) performed at Invitae indicates that this missense variant is not expected to disrupt ROM1 protein function with a negative predictive value of 80%. In summary, the available evidence is currently insufficient to determine the role of this variant in disease. Therefore, it has been classified as a Variant of Uncertain Significance.

NM_000327.4(ROM1):c.391G>A (p.Glu131Lys)

Gene: ROM1 (retinal outer segment membrane protein 1; plus strand). Cytogenetic location: 11q12.3.
Variant type: single nucleotide variant.
Coding change: c.391G>A on transcript NM_000327.4 (MANE Select); coding-DNA position 391, G replaced by A.
Protein change: p.Glu131Lys; replaces glutamic acid 131 with lysine.
Molecular consequence: missense variant.
Genome position (GRCh38, 1-based): chr11:62,613,672, G>A. VCF-style: chr11-62613672-G-A. GRCh37 (hg19) VCF-style: chr11-62381144-G-A.
Other names: short protein forms E131K.
Identifiers: ClinVar variation 3644131 (VCV003644131.2).